The following is an entry in ClinVar:

ClinVar aggregate classification (germline): Pathogenic (1 of 4 stars; one submission).

Conditions:
Kabuki syndrome 2 (KABUK2). Also called: KDM6A-Related Kabuki Syndrome. Identifiers: Orphanet 2322, MedGen C3275495, MONDO:0010465, OMIM 300867.

Submission:

Institute of Human Genetics, University of Leipzig Medical Center
Classification: Pathogenic for Kabuki syndrome 2. Last evaluated: 2025-03-04. Review status: criteria provided, single submitter. Criteria: ACMG Guidelines, 2015. Collection method: clinical testing. Allele origin: unknown. Inheritance: Autosomal dominant inheritance. Affected: yes.
Comment: Criteria applied: PVS1,PM2

NM_001291415.2:c.(564+1_565-1)_(619+1_620-1)del

Gene: KDM6A (lysine demethylase 6A; plus strand).
Variant type: Deletion.
Other names: c.(564+1_565-1)_(619+1_620-1)del (NM_001291415.2).
Identifiers: ClinVar variation 3773656 (VCV003773656.2).